The following is an entry in ClinVar:

NM_001042492.3(NF1):c.6010A>T (p.Thr2004Ser)

Gene: NF1 (neurofibromin 1; plus strand). Cytogenetic location: 17q11.2.
Variant type: single nucleotide variant.
Coding change: c.6010A>T on transcript NM_001042492.3 (MANE Select); coding-DNA position 6010, A replaced by T.
Protein change: p.Thr2004Ser; replaces threonine 2004 with serine.
Molecular consequence: missense variant.
Genome position (GRCh38, 1-based): chr17:31,336,336, A>T. VCF-style: chr17-31336336-A-T. GRCh37 (hg19) VCF-style: chr17-29663354-A-T.
Other names: c.5947A>T, p.Thr1983Ser (NM_000267.4); short protein forms T2004S, T1983S.
Identifiers: ClinVar variation 961411 (VCV000961411.8), dbSNP rs2069668251, ClinGen allele CA399011004.

ClinVar aggregate classification (germline): Uncertain significance. Review status: criteria provided, multiple submitters, no conflicts (2 of 4 stars). 2 submissions from 2 submitters: Uncertain significance (2). Last evaluated 2025-03-21.

Conditions:
Hereditary cancer-predisposing syndrome. Also called: Hereditary neoplastic syndrome; Tumor predisposition; Neoplastic Syndromes, Hereditary; Hereditary Cancer Syndrome. Identifiers: Orphanet 140162, MedGen C0027672, MeSH D009386, MONDO:0015356.
Cardiovascular phenotype. Identifiers: MedGen CN230736.
Neurofibromatosis, type 1 (NF1). Also called: Peripheral type neurofibromatosis; VON RECKLINGHAUSEN DISEASE; NEUROFIBROMATOSIS, TYPE I, SOMATIC; Neurofibromatosis, type I. Identifiers: Orphanet 636, MedGen C0027831, MONDO:0018975, OMIM 162200. Disease mechanism: loss of function.

Submissions (2):

Ambry Genetics
Classification: Uncertain significance for Cardiovascular phenotype; Hereditary cancer-predisposing syndrome. Last evaluated: 2025-03-21. Review status: criteria provided, single submitter. Criteria: Ambry Variant Classification Scheme 2023. Collection method: clinical testing. Allele origin: germline.
Comment: The p.T1983S variant (also known as c.5947A>T), located in coding exon 40 of the NF1 gene, results from an A to T substitution at nucleotide position 5947. The threonine at codon 1983 is replaced by serine, an amino acid with similar properties. This amino acid position is conserved. In addition, the in silico prediction for this alteration is inconclusive. Based on the available evidence, the clinical significance of this variant remains unclear.

Labcorp Genetics (formerly Invitae), Labcorp
Classification: Uncertain significance for Neurofibromatosis, type 1. Last evaluated: 2021-05-18. Review status: criteria provided, single submitter. Criteria: Invitae Variant Classification Sherloc (09022015). Collection method: clinical testing. Allele origin: germline.
Comment: In summary, the available evidence is currently insufficient to determine the role of this variant in disease. Therefore, it has been classified as a Variant of Uncertain Significance. Algorithms developed to predict the effect of missense changes on protein structure and function are either unavailable or do not agree on the potential impact of this missense change (SIFT: "Tolerated"; PolyPhen-2: "Probably Damaging"; Align-GVGD: "Class C0"). This variant has not been reported in the literature in individuals with NF1-related conditions. This variant is not present in population databases (ExAC no frequency). This sequence change replaces threonine with serine at codon 1983 of the NF1 protein (p.Thr1983Ser). The threonine residue is moderately conserved and there is a small physicochemical difference between threonine and serine.